The following is an entry in ClinVar:

ClinVar aggregate classification (germline): Likely benign (1 of 4 stars; one submission).

Submission:

Center for Pediatric Genomic Medicine, Children's Mercy Hospital and Clinics
Classification: Likely benign. Last evaluated: 2016-05-10. Review status: criteria provided, single submitter. Criteria: ACMG Guidelines, 2015. Collection method: clinical testing. Allele origin: germline.
ClinVar note: Converted during submission from Likely Benign to Likely benign.

NC_012920.1(MT-ND2):m.5033A>G

Gene: MT-ND2 (mitochondrially encoded NADH dehydrogenase 2; plus strand).
Variant type: single nucleotide variant.
Genome position: chrM-5033-A-G.
Identifiers: ClinVar variation 235462 (VCV000235462.3), dbSNP rs878853043, ClinGen allele CA10581320.